The following is an entry in ClinVar:

NM_052947.4(ALPK2):c.3736T>C (p.Ser1246Pro)

Genes: ALPK2 (alpha kinase 2; minus strand), LOC126862764 (BRD4-independent group 4 enhancer GRCh37_chr18:56202574-56203773; plus strand). Cytogenetic location: 18q21.31.
Variant type: single nucleotide variant.
Coding change: c.3736T>C on transcript NM_052947.4 (MANE Select); coding-DNA position 3736, T replaced by C.
Protein change: p.Ser1246Pro; replaces serine 1246 with proline.
Molecular consequence: missense variant.
Genome position (GRCh38, 1-based): chr18:58,536,451, A>G on the plus strand (T>C on the coding strand, the complement: ALPK2 is on the minus strand). VCF-style: chr18-58536451-A-G. GRCh37 (hg19) VCF-style: chr18-56203683-A-G.
Other names: short protein forms S1246P.
Identifiers: ClinVar variation 1734427 (VCV001734427.2), dbSNP rs2518876046, ClinGen allele CA402565846.

ClinVar aggregate classification (germline): Uncertain significance (1 of 4 stars; one submission).

Allele frequency attached by ClinVar (database versions not stated): gnomAD exomes below 0.00001.
gnomAD v4.1: 1 of 1,614,088 alleles (0.000062%); highest among the groups gnomAD compares: Non-Finnish European, 0.000085%; no homozygotes.

Submission:

Ambry Genetics
Classification: Uncertain significance. Last evaluated: 2022-03-08. Review status: criteria provided, single submitter. Criteria: Ambry Variant Classification Scheme 2023. Collection method: clinical testing. Allele origin: germline.
Comment: The p.S1246P variant (also known as c.3736T>C), located in coding exon 4 of the ALPK2 gene, results from a T to C substitution at nucleotide position 3736. The serine at codon 1246 is replaced by proline, an amino acid with similar properties. This amino acid position is conserved. In addition, this alteration is predicted to be tolerated by in silico analysis. Since supporting evidence is limited at this time, the clinical significance of this alteration remains unclear.